The following is an entry in ClinVar:

NM_001165963.4(SCN1A):c.271del (p.Phe90_Ile91insTer)

Gene: SCN1A (sodium voltage-gated channel alpha subunit 1; minus strand). Cytogenetic location: 2q24.3.
Variant type: Deletion.
Coding change: c.271del on transcript NM_001165963.4 (MANE Select); coding-DNA position 271, one base deleted (A; older notation c.271delA).
Protein change: p.Phe90_Ile91insTer.
Molecular consequence: nonsense. On other transcripts: 5 prime UTR variant (1), non-coding transcript variant (1).
Genome position (GRCh38, 1-based): chr2:166,058,682, T deleted on the plus strand (A on the coding strand, the reverse complement: SCN1A is on the minus strand). VCF-style (leftmost placement, unchanged base first): chr2-166058681-AT-A. GRCh37 (hg19) VCF-style: chr2-166915191-AT-A.
Other names: c.271del, p.Phe90_Ile91insTer (NM_001165964.3, NM_001202435.3, NM_001353948.2 and 10 more transcripts); c.-2155del (NM_001353961.2).
Identifiers: ClinVar variation 3774337 (VCV003774337.1).

ClinVar aggregate classification (germline): Pathogenic (1 of 4 stars; one submission).

Conditions:
Severe myoclonic epilepsy in infancy (DRVT). Also called: Dravet syndrome; Epileptic encephalopathy, early infantile, 6 (Dravet syndrome); SEVERE MYOCLONIC EPILEPSY OF INFANCY; DEVELOPMENTAL AND EPILEPTIC ENCEPHALOPATHY 6A; Severe Myoclonic Epilepsy in Infancy (SMEI). Identifiers: Orphanet 33069, MedGen C0751122, MONDO:0100135, OMIM 607208.

Submission:

Department of Child Neurology, National Center Hospital, National Center of Neurology and Psychiatry
Classification: Pathogenic for Severe myoclonic epilepsy in infancy. Last evaluated: 2024-12-16. Review status: criteria provided, single submitter. Criteria: ACMG Guidelines, 2015. Collection method: clinical testing. Allele origin: de novo. Inheritance: Sporadic. Affected: yes. Observed: 1 variant allele.
Comment: This variant is a frameshift mutation predicted to result in nonsense-mediated mRNA decay (NMD). Based on the American College of Medical Genetics and Genomics (ACMG) standards and guidelines and recommendations from the ClinGen Sequence Variant Interpretation Working Group, This variant was classified as pathogenic.